The following is an entry in ClinVar:

ClinVar aggregate classification (germline): Likely pathogenic (1 of 4 stars; one submission).

Conditions:
Dilated cardiomyopathy 1DD (CMD1DD). Identifiers: Orphanet 154, MedGen C2750995, MONDO:0013168, OMIM 613172.

Submission:

Labcorp Genetics (formerly Invitae), Labcorp
Classification: Likely pathogenic for Dilated cardiomyopathy 1DD. Last evaluated: 2025-12-14. Review status: criteria provided, single submitter. Criteria: Invitae Variant Classification Sherloc (09022015). Collection method: clinical testing. Allele origin: germline.
Comment: This sequence change affects an acceptor splice site in intron 9 of the RBM20 gene. It is expected to disrupt RNA splicing. Variants that disrupt the donor or acceptor splice site typically lead to a loss of protein function (PMID: 16199547), and loss-of-function variants in RBM20 are known to be pathogenic (PMID: 20590677, 22004663, 38288598, 38510713, 40339755). This variant is not present in population databases (gnomAD no frequency). This variant has not been reported in the literature in individuals affected with RBM20-related conditions. Algorithms developed to predict the effect of sequence changes on RNA splicing suggest that this variant may disrupt the consensus splice site. In summary, the currently available evidence indicates that the variant is pathogenic, but additional data are needed to prove that conclusively. Therefore, this variant has been classified as Likely Pathogenic.

Literature cited by the submitters: PubMed 16199547; PubMed 20590677; PubMed 22004663; PubMed 38288598; PubMed 38510713; PubMed 40339755.

NM_001134363.3(RBM20):c.2551-1G>A

Gene: RBM20 (RNA binding motif protein 20; plus strand). Cytogenetic location: 10q25.2.
Variant type: single nucleotide variant.
Coding change: c.2551-1G>A on transcript NM_001134363.3 (MANE Select); the canonical splice acceptor site of the intron before coding-DNA position 2551, G replaced by A.
Molecular consequence: splice acceptor variant.
Genome position (GRCh38, 1-based): chr10:110,820,071, G>A. VCF-style: chr10-110820071-G-A. GRCh37 (hg19) VCF-style: chr10-112579829-G-A.
Identifiers: ClinVar variation 4808803 (VCV004808803.1).
Genomic context (GRCh38, chr10:110,820,071, plus strand): 5'-TTTTCTTCTCCCTGTCACTGCTCACTGTTGATTTGGTTTGCTCTGTTCTTCCTTTGATAA[G>A]GCTGGAAAAGAGGAACAGGAGGGCATGGAAGAAAGCCCTCAATCAGTGGGCAGACAGGAG-3'